The following is an entry in ClinVar:

NM_001199397.3(NEK1):c.3072G>C (p.Leu1024Phe)

Gene: NEK1 (NIMA related kinase 1; minus strand). Cytogenetic location: 4q33.
Variant type: single nucleotide variant.
Coding change: c.3072G>C on transcript NM_001199397.3 (MANE Select); coding-DNA position 3072, G replaced by C.
Protein change: p.Leu1024Phe; replaces leucine 1024 with phenylalanine.
Molecular consequence: missense variant. On other transcripts: non-coding transcript variant (1).
Genome position (GRCh38, 1-based): chr4:169,424,703, C>G on the plus strand (G>C on the coding strand, the complement: NEK1 is on the minus strand). VCF-style: chr4-169424703-C-G. GRCh37 (hg19) VCF-style: chr4-170345854-C-G.
Other names: c.2940G>C, p.Leu980Phe (NM_001199398.3); c.2781G>C, p.Leu927Phe (NM_001199399.3); c.2856G>C, p.Leu952Phe (NM_001199400.3); c.3072G>C, p.Leu1024Phe (NM_001374418.1); c.2988G>C, p.Leu996Phe (NM_001374419.1, NM_012224.4); c.2937G>C, p.Leu979Phe (NM_001374420.1); c.2589G>C, p.Leu863Phe (NM_001374421.1); short protein forms L996F, L863F, L952F, L980F, L1024F, L979F, L927F.
Identifiers: ClinVar variation 1944976 (VCV001944976.5), dbSNP rs1736069610, ClinGen allele CA358801425.

ClinVar aggregate classification (germline): Uncertain significance (1 of 4 stars; one submission).

Conditions:
Short-rib thoracic dysplasia 6 with or without polydactyly (SRTD6). Also called: SHORT-RIB THORACIC DYSPLASIA 6 WITH POLYDACTYLY; Majewski Syndrome; SHORT-RIB THORACIC DYSPLASIA 6 WITHOUT POLYDACTYLY; SHORT RIB-POLYDACTYLY SYNDROME, TYPE IIA; POLYDACTYLY WITH NEONATAL CHONDRODYSTROPHY, TYPE II. Identifiers: MedGen C0024507, MONDO:0009894, OMIM 263520.

Allele frequency attached by ClinVar (database versions not stated): gnomAD exomes below 0.00001; TOPMed below 0.00001.
gnomAD v4.1: 2 of 1,613,818 alleles (0.00012%); highest among the groups gnomAD compares: Admixed American, 0.0017%; no homozygotes.

Submission:

Labcorp Genetics (formerly Invitae), Labcorp
Classification: Uncertain significance for Short-rib thoracic dysplasia 6 with or without polydactyly. Last evaluated: 2024-06-26. Review status: criteria provided, single submitter. Criteria: Invitae Variant Classification Sherloc (09022015). Collection method: clinical testing. Allele origin: germline.
Comment: This sequence change replaces leucine, which is neutral and non-polar, with phenylalanine, which is neutral and non-polar, at codon 996 of the NEK1 protein (p.Leu996Phe). This variant is not present in population databases (gnomAD no frequency). This variant has not been reported in the literature in individuals affected with NEK1-related conditions. ClinVar contains an entry for this variant (Variation ID: 1944976). Advanced modeling of protein sequence and biophysical properties (such as structural, functional, and spatial information, amino acid conservation, physicochemical variation, residue mobility, and thermodynamic stability) performed at Invitae indicates that this missense variant is not expected to disrupt NEK1 protein function with a negative predictive value of 80%. In summary, the available evidence is currently insufficient to determine the role of this variant in disease. Therefore, it has been classified as a Variant of Uncertain Significance.